The following is an entry in ClinVar:

NM_032444.4(SLX4):c.2273C>T (p.Ala758Val)

Gene: SLX4 (SLX4 structure-specific endonuclease subunit; minus strand). Cytogenetic location: 16p13.3.
Variant type: single nucleotide variant.
Coding change: c.2273C>T on transcript NM_032444.4 (MANE Select); coding-DNA position 2273, C replaced by T.
Protein change: p.Ala758Val; replaces alanine 758 with valine.
Molecular consequence: missense variant.
Genome position (GRCh38, 1-based): chr16:3,592,753, G>A on the plus strand (C>T on the coding strand, the complement: SLX4 is on the minus strand). VCF-style: chr16-3592753-G-A. GRCh37 (hg19) VCF-style: chr16-3642754-G-A.
Other names: short protein forms A758V.
Identifiers: ClinVar variation 841208 (VCV000841208.13), dbSNP rs747563780, ClinGen allele CA7866211.

ClinVar aggregate classification (germline): Uncertain significance. Review status: criteria provided, multiple submitters, no conflicts (2 of 4 stars). 5 submissions from 5 submitters: Uncertain significance (5). Last evaluated 2025-06-09.

Conditions:
Fanconi anemia (FA). Also called: Fanconi's anemia. Identifiers: Orphanet 84, MedGen C0015625, MeSH D005199, MONDO:0019391.
Fanconi anemia complementation group P. Also called: SLX4-Related Fanconi Anemia. Identifiers: Orphanet 84, MedGen C3469542, MONDO:0013499, OMIM 613951.

Allele frequency attached by ClinVar (database versions not stated): gnomAD exomes 0.00002; ExAC 0.00001; TOPMed 0.00002; gnomAD 0.00001.
gnomAD v4.1: 31 of 1,613,164 alleles (0.0019%); highest among the groups gnomAD compares: Middle Eastern, 0.018%; no homozygotes.

Submissions (5):

Dasa
Classification: Uncertain significance. Last evaluated: 2025-06-09. Review status: criteria provided, single submitter. Criteria: DASA Assertion Criteria. Collection method: clinical testing. Allele origin: germline.
Comment: NM_032444.4(SLX4):c.2273C>T (p.Ala758Val) is a missense variant that results in the substitution of alanine with valine. This variant is rare in population databases. Computational prediction algorithms are consistent with a benign effect. The currently available literature and clinical evidence are not sufficient to establish a definitive association between this variant and the reported condition. Therefore, this variant is classified as a variant of uncertain significance.

Labcorp Genetics (formerly Invitae), Labcorp
Classification: Uncertain significance for Fanconi anemia. Last evaluated: 2024-12-10. Review status: criteria provided, single submitter. Criteria: Invitae Variant Classification Sherloc (09022015). Collection method: clinical testing. Allele origin: germline.
Comment: This sequence change replaces alanine, which is neutral and non-polar, with valine, which is neutral and non-polar, at codon 758 of the SLX4 protein (p.Ala758Val). This variant is present in population databases (rs747563780, gnomAD 0.005%). This variant has not been reported in the literature in individuals affected with SLX4-related conditions. ClinVar contains an entry for this variant (Variation ID: 841208). An algorithm developed to predict the effect of missense changes on protein structure and function (PolyPhen-2) suggests that this variant is likely to be disruptive. In summary, the available evidence is currently insufficient to determine the role of this variant in disease. Therefore, it has been classified as a Variant of Uncertain Significance.

GeneDx
Classification: Uncertain significance. Last evaluated: 2024-04-22. Review status: criteria provided, single submitter. Criteria: GeneDx Variant Classification Process June 2021. Collection method: clinical testing. Allele origin: germline. Affected: yes.
Comment: Has not been previously published as pathogenic or benign to our knowledge; In silico analysis supports that this missense variant has a deleterious effect on protein structure/function

Fulgent Genetics
Classification: Uncertain significance for Fanconi anemia complementation group P. Last evaluated: 2022-01-18. Review status: criteria provided, single submitter. Criteria: ACMG Guidelines, 2015. Collection method: clinical testing. Allele origin: unknown.

Breakthrough Genomics
Classification: Uncertain significance. Review status: criteria provided, single submitter. Criteria: ACMG Guidelines, 2015. Collection method: not provided. Allele origin: germline. Inheritance: Autosomal recessive inheritance. Affected: yes.